The following is an entry in ClinVar:

ClinVar aggregate classification (germline): Pathogenic (1 of 4 stars; one submission).

Submission:

Quest Diagnostics Nichols Institute San Juan Capistrano
Classification: Pathogenic. Last evaluated: 2021-06-09. Review status: criteria provided, single submitter. Criteria: ACMG/ClinGen CNV Guidelines, 2019. Collection method: clinical testing. Allele origin: unknown.
Comment: The copy number gain of 22q11.1q11.21 is expected to cause phenotypic and/or developmental abnormalities. It fully contains the critical region for cat eye syndrome (CES; OMIM 115470), a rare disorder classically characterized by the triad of anal atresia, coloboma of the iris, and preauricular tags or pits. Renal anomalies and congenital heart defects may be a common feature of CES, with rare vascular forms reported in some patients, such as total anomalous pulmonary venous return and aortic arch obstruction. CES may be caused by duplication or triplication of the critical region; the triplication typically presents as a supernumerary marker chromosome characterized cytogenetically as an inverted duplication of 22pter-q11.2. The critical region contains several genes, including ADA2 (CECR1) and CECR2 as the best candidates for the typical CES phenotypes, both of which are encompassed in the current gain interval (Williams et al., J Pediatr Genet. 2021 Mar;10(1):35-38. PMID: 33552636; Haltrich et al. Mol Cytogenet. 2014 Jun 5;7:37. PMID: 24959203; Sharma et al., BMJ Case Rep. 2014 May 19;2014. Pii: bcr2014203923., PMID: 24842361; Melo C et al., Gene. 2013 Oct 15;529(1):186-9. PMID: 23928108; Karcaaltincaba et al. Genet Couns. 2010;21(1):19-24. PMID: 20420025).

GRCh37/hg19 22q11.1-11.21(chr22:16888900-18916828)x3

Genes: CECR3 (cat eye syndrome chromosome region, candidate 3; minus strand), DGCR6 (DiGeorge syndrome critical region gene 6; plus strand), GAB4 (GRB2 associated binding protein family member 4; minus strand), HDHD5 (haloacid dehalogenase like hydrolase domain containing 5; minus strand), TMEM121B (transmembrane protein 121B; minus strand) and 14 more. Cytogenetic location: 22q11.1-11.21.
Variant type: copy number gain.
Change: copy number 3 (three copies instead of two) of chr22:16,888,900-18,916,828 (2.03 Mb, GRCh37 coordinates, 1-based), cytogenetic band 22q11.1-11.21.
Identifiers: ClinVar variation 1807693 (VCV001807693.1).